The following is an entry in ClinVar:

NM_004168.4(SDHA):c.1381G>A (p.Val461Ile)

Gene: SDHA (succinate dehydrogenase complex flavoprotein subunit A; plus strand). Cytogenetic location: 5p15.33.
Variant type: single nucleotide variant.
Coding change: c.1381G>A on transcript NM_004168.4 (MANE Select); coding-DNA position 1381, G replaced by A.
Protein change: p.Val461Ile; replaces valine 461 with isoleucine.
Molecular consequence: missense variant.
Genome position (GRCh38, 1-based): chr5:236,548, G>A. VCF-style: chr5-236548-G-A. GRCh37 (hg19) VCF-style: chr5-236663-G-A.
Other names: c.1237G>A, p.Val413Ile (NM_001294332.2); c.1381G>A, p.Val461Ile (NM_001330758.2); short protein forms V413I, V461I.
Identifiers: ClinVar variation 4890816 (VCV004890816.1).

ClinVar aggregate classification (germline): Uncertain significance (1 of 4 stars; one submission).

Conditions:
Pheochromocytoma/paraganglioma syndrome 5. Also called: Paragangliomas 5; SDHA-Related Hereditary Paraganglioma-Pheochromocytoma Syndrome. Identifiers: Orphanet 29072, MedGen C3279992, MONDO:0013602, OMIM 614165.

Submission:

Helix
Classification: Uncertain significance for Pheochromocytoma/paraganglioma syndrome 5. Last evaluated: 2026-01-14. Review status: criteria provided, single submitter. Criteria: ACMG Guidelines, 2015. Collection method: clinical testing. Allele origin: germline. Inheritance: Autosomal dominant inheritance.
Comment: This variant (NM_004168.4:c.1381G>A p.Val461Ile) results in the substitution of valine with isoleucine at codon 461 in the SDHA protein. It is a rare variant that is absent from the large gnomAD population database (v4.1). To our knowledge, this variant has not been reported in individuals with SDHA-related conditions in the published literature. In silico prediction from REVEL (PMID: 27666373) suggests that this variant may be benign. In conclusion, since the available evidence is limited, the clinical significance of this variant is unclear at this time. Therefore, it is classified as a Variant of Uncertain Significance.